The following is an entry in ClinVar:

NM_025137.4(SPG11):c.6871dup (p.Cys2291fs)

Gene: SPG11 (SPG11 vesicle trafficking associated, spatacsin; minus strand). Cytogenetic location: 15q21.1.
Variant type: Duplication.
Coding change: c.6871dup on transcript NM_025137.4 (MANE Select); coding-DNA position 6871, one base duplicated (T; older notation c.6871dupT).
Protein change: p.Cys2291fs; shifts the reading frame from cysteine 2291.
Molecular consequence: frameshift variant.
Genome position (GRCh38, 1-based): chr15:44,565,982, A duplicated on the plus strand (T on the coding strand, the reverse complement: SPG11 is on the minus strand). VCF-style (leftmost placement, unchanged base first): chr15-44565981-C-CA. GRCh37 (hg19) VCF-style: chr15-44858179-C-CA.
Other names: c.6532dup, p.Cys2178fs (NM_001160227.2); c.6727dup, p.Cys2243fs (NM_001411132.1); c.6871dupT (NM_025137.4); short protein forms C2178fs, C2243fs, C2291fs.
Identifiers: ClinVar variation 2446392 (VCV002446392.2), dbSNP rs2505173672, ClinGen allele CA2580089473.

ClinVar aggregate classification (germline): Likely pathogenic (1 of 4 stars; one submission).

Conditions:
Hereditary spastic paraplegia 11. Also called: SPASTIC PARAPLEGIA, AUTOSOMAL RECESSIVE, COMPLICATED, WITH THIN CORPUS CALLOSUM; SPASTIC PARAPLEGIA, AUTOSOMAL RECESSIVE, WITH MENTAL IMPAIRMENT AND THIN CORPUS CALLOSUM; Nakamura Osame syndrome; Autosomal recessive hereditary spastic paraplegia, mental impairment, and thin corpus callosum; Spastic paraplegia, mental retardation and thin corpus callosum; Spastic Paraplegia 11. Identifiers: Orphanet 2822, MedGen C1858479, MONDO:0011445, OMIM 604360.

Allele frequency attached by ClinVar (database versions not stated): gnomAD exomes below 0.00001.

Submission:

Lifecell International Pvt. Ltd
Classification: Likely pathogenic for Hereditary spastic paraplegia 11. Review status: criteria provided, single submitter. Criteria: ACMG Guidelines, 2015. Collection method: clinical testing. Allele origin: germline. Inheritance: Autosomal recessive inheritance. Affected: yes. Observed: 1 homozygote.
Comment: A Homozygote Frameshift variant c.6871dupT in Exon 38 of the SPG11 gene that results in the premature termination of the protein (p.Cys2291fs*49) was identified. The observed variant has a minor allele frequency of 0.00% in gnomAD exomes and genomes, respectively. The severity of the impact of this variant on the protein is high, based on the effect of theprotein and REVEL score . Rare Exome Variant Ensemble Learner (REVEL) is an ensembl method for predicting the pathogenicity of missense variants based on a combination of scoresfrom 13 individual tools: MutPred, FATHMM v2.3, VEST 3.0, PolyPhen-2, SIFT, PROVEAN, MutationAssessor, MutationTaster, LRT, GERP++, SiPhy, phyloP, and phastCons. TheREVEL score for an individual missense variant can range from 0 to 1, with higher scores reflecting greater likelihood that the variant is disease-causing. Based on the above evidencethis variant has been classified as Likely Pathogenic according to the ACMG guidelines.